The following is an entry in ClinVar:

NM_014874.4(MFN2):c.1629C>G (p.Phe543Leu)

Gene: MFN2 (mitofusin 2; plus strand). Cytogenetic location: 1p36.22.
Variant type: single nucleotide variant.
Coding change: c.1629C>G on transcript NM_014874.4 (MANE Select); coding-DNA position 1629, C replaced by G.
Protein change: p.Phe543Leu; replaces phenylalanine 543 with leucine.
Molecular consequence: missense variant.
Genome position (GRCh38, 1-based): chr1:12,005,844, C>G. VCF-style: chr1-12005844-C-G. GRCh37 (hg19) VCF-style: chr1-12065901-C-G.
Other names: c.1629C>G, p.Phe543Leu (NM_001127660.2); short protein forms F543L.
Identifiers: ClinVar variation 1411161 (VCV001411161.6), dbSNP rs2100853178, ClinGen allele CA338448109.

ClinVar aggregate classification (germline): Uncertain significance (1 of 4 stars; one submission).

Conditions:
Charcot-Marie-Tooth disease type 2. Also called: Charcot-Marie-Tooth type 2. Identifiers: Orphanet 64746, MedGen C0270914, MONDO:0018993.

Submission:

Labcorp Genetics (formerly Invitae), Labcorp
Classification: Uncertain significance for Charcot-Marie-Tooth disease type 2. Last evaluated: 2024-11-11. Review status: criteria provided, single submitter. Criteria: Invitae Variant Classification Sherloc (09022015). Collection method: clinical testing. Allele origin: germline.
Comment: This sequence change replaces phenylalanine, which is neutral and non-polar, with leucine, which is neutral and non-polar, at codon 543 of the MFN2 protein (p.Phe543Leu). This variant is not present in population databases (gnomAD no frequency). This variant has not been reported in the literature in individuals affected with MFN2-related conditions. ClinVar contains an entry for this variant (Variation ID: 1411161). Invitae Evidence Modeling of protein sequence and biophysical properties (such as structural, functional, and spatial information, amino acid conservation, physicochemical variation, residue mobility, and thermodynamic stability) indicates that this missense variant is expected to disrupt MFN2 protein function with a positive predictive value of 95%. In summary, the available evidence is currently insufficient to determine the role of this variant in disease. Therefore, it has been classified as a Variant of Uncertain Significance.